The following is an entry in ClinVar:

ClinVar aggregate classification (germline): Uncertain significance. Review status: criteria provided, multiple submitters, no conflicts (2 of 4 stars). 2 submissions from 2 submitters: Uncertain significance (2). Last evaluated 2025-06-16.

Conditions:
Familial adenomatous polyposis 1 (FAP1). Also called: FAMILIAL ADENOMATOUS POLYPOSIS 1, ATTENUATED; POLYPOSIS, ADENOMATOUS INTESTINAL. Identifiers: MedGen C2713442, MONDO:0021056, OMIM 175100. Disease mechanism: loss of function.
Hereditary cancer-predisposing syndrome. Also called: Neoplastic Syndromes, Hereditary; Tumor predisposition; Hereditary Cancer Syndrome; Hereditary neoplastic syndrome. Identifiers: Orphanet 140162, MedGen C0027672, MeSH D009386, MONDO:0015356.

Submissions (2):

Labcorp Genetics (formerly Invitae), Labcorp
Classification: Uncertain significance for Familial adenomatous polyposis 1. Last evaluated: 2025-06-16. Review status: criteria provided, single submitter. Criteria: Invitae Variant Classification Sherloc (09022015). Collection method: clinical testing. Allele origin: germline.
Comment: This sequence change replaces isoleucine, which is neutral and non-polar, with phenylalanine, which is neutral and non-polar, at codon 224 of the APC protein (p.Ile224Phe). This variant is not present in population databases (gnomAD no frequency). This variant has not been reported in the literature in individuals affected with APC-related conditions. ClinVar contains an entry for this variant (Variation ID: 3411193). Invitae Evidence Modeling of protein sequence and biophysical properties (such as structural, functional, and spatial information, amino acid conservation, physicochemical variation, residue mobility, and thermodynamic stability) indicates that this missense variant is not expected to disrupt APC protein function with a negative predictive value of 95%. In summary, the available evidence is currently insufficient to determine the role of this variant in disease. Therefore, it has been classified as a Variant of Uncertain Significance.

Ambry Genetics
Classification: Uncertain significance for Hereditary cancer-predisposing syndrome. Last evaluated: 2024-09-16. Review status: criteria provided, single submitter. Criteria: Ambry Variant Classification Scheme 2023. Collection method: clinical testing. Allele origin: germline.
Comment: The p.I224F variant (also known as c.670A>T), located in coding exon 6 of the APC gene, results from an A to T substitution at nucleotide position 670. The isoleucine at codon 224 is replaced by phenylalanine, an amino acid with highly similar properties. This amino acid position is conserved. In addition, in silico predictors for this gene do not accurately predict pathogenicity. Based on the available evidence, the clinical significance of this variant remains unclear.

NM_000038.6(APC):c.670A>T (p.Ile224Phe)

Gene: APC (APC regulator of Wnt signaling pathway; plus strand). Cytogenetic location: 5q22.2.
Variant type: single nucleotide variant.
Coding change: c.670A>T on transcript NM_000038.6 (MANE Select); coding-DNA position 670, A replaced by T.
Protein change: p.Ile224Phe; replaces isoleucine 224 with phenylalanine.
Molecular consequence: missense variant. On other transcripts: 5 prime UTR variant (4), non-coding transcript variant (2), intron variant (5).
Genome position (GRCh38, 1-based): chr5:112,792,470, A>T. VCF-style: chr5-112792470-A-T. GRCh37 (hg19) VCF-style: chr5-112128167-A-T.
Other names: c.670A>T, p.Ile224Phe (NM_001127510.3, NM_001354895.2, NM_001354896.2 and 12 more transcripts); c.700A>T, p.Ile234Phe (NM_001354897.2, NM_001354902.2, NM_001407446.1); c.595A>T, p.Ile199Phe (NM_001354898.2, NM_001354904.2, NM_001407451.1); c.493A>T, p.Ile165Phe (NM_001354900.2, NM_001354901.2, NM_001354905.2 and 1 more transcripts); c.-366A>T (NM_001354906.2, NM_001407470.1, NM_001407471.1 and 1 more transcripts); c.646-8809A>T (NM_001407452.1, NM_001407469.1, NM_001354899.2 and 1 more transcripts); c.676-8809A>T (NM_001127511.3); short protein forms I165F, I224F, I199F, I234F.
Identifiers: ClinVar variation 3411193 (VCV003411193.2).